The following is an entry in ClinVar:

ClinVar aggregate classification (germline): Benign/Likely benign. Review status: criteria provided, multiple submitters, no conflicts (2 of 4 stars). 3 submissions from 3 submitters: Benign (1); Likely benign (2). Last evaluated 2024-09-18.

Conditions:
Hereditary cancer-predisposing syndrome. Also called: Neoplastic Syndromes, Hereditary; Tumor predisposition; Hereditary Cancer Syndrome; Hereditary neoplastic syndrome. Identifiers: Orphanet 140162, MedGen C0027672, MeSH D009386, MONDO:0015356.
Familial cancer of breast. Also called: BREAST CANCER, FAMILIAL; Hereditary breast cancer; hereditary breast carcinoma. Identifiers: Orphanet 227535, MedGen C0346153, MONDO:0016419, OMIM 114480. Disease mechanism: loss of function.
Fanconi anemia complementation group J. Also called: BRIP1-Related Fanconi Anemia. Identifiers: Orphanet 84, MedGen C1836860, MONDO:0012187, OMIM 609054.

Submissions (3):

Labcorp Genetics (formerly Invitae), Labcorp
Classification: Likely benign for Familial cancer of breast; Fanconi anemia complementation group J. Last evaluated: 2024-09-18. Review status: criteria provided, single submitter. Criteria: Invitae Variant Classification Sherloc (09022015). Collection method: clinical testing. Allele origin: germline.

Myriad Genetics, Inc.
Classification: Benign for Familial cancer of breast. Last evaluated: 2024-09-10. Review status: criteria provided, single submitter. Criteria: Myriad Autosomal Dominant, Autosomal Recessive and X-Linked Classification Criteria (2023). Collection method: clinical testing. Allele origin: unknown.
Comment: This variant is considered benign. This variant is a silent/synonymous amino acid change and it is not expected to impact splicing.

Ambry Genetics
Classification: Likely benign for Hereditary cancer-predisposing syndrome. Last evaluated: 2020-09-17. Review status: criteria provided, single submitter. Criteria: Ambry Variant Classification Scheme 2023. Collection method: clinical testing. Allele origin: germline.

NM_032043.3(BRIP1):c.3507C>T (p.Asp1169=)

Gene: BRIP1 (BRCA1 interacting DNA helicase 1; minus strand). Cytogenetic location: 17q23.2.
Variant type: single nucleotide variant.
Coding change: c.3507C>T on transcript NM_032043.3 (MANE Select); coding-DNA position 3507, C replaced by T.
Protein change: p.Asp1169=; no amino-acid change (aspartic acid 1169 retained).
Molecular consequence: synonymous variant.
Genome position (GRCh38, 1-based): chr17:61,683,539, G>A on the plus strand (C>T on the coding strand, the complement: BRIP1 is on the minus strand). VCF-style: chr17-61683539-G-A. GRCh37 (hg19) VCF-style: chr17-59760900-G-A.
Identifiers: ClinVar variation 1732121 (VCV001732121.8), dbSNP rs375741316, ClinGen allele CA501335271.
Genomic context (GRCh38, chr17:61,683,539, plus strand): 5'-ATCCTCAGCTTTCACTTCTCTGGCTGAATCTACTTCTTTTATAGTTCTAATTTCAAAAAG[G>A]TCTTTAGCTAAAATGCAATCTGAATTGTTAGCCAATCTATTTCCTCTATCAGTTTCAGCT-3'
Protein context (NP_114432.2, residues 1159-1179): ANNSDCILAK[Asp1169=]LFEIRTIKEV